The following is an entry in ClinVar:

NM_000092.5(COL4A4):c.4165G>A (p.Gly1389Arg)

Gene: COL4A4 (collagen type IV alpha 4 chain; minus strand). Cytogenetic location: 2q36.3.
Variant type: single nucleotide variant.
Coding change: c.4165G>A on transcript NM_000092.5 (MANE Select); coding-DNA position 4165, G replaced by A.
Protein change: p.Gly1389Arg; replaces glycine 1389 with arginine.
Molecular consequence: missense variant.
Genome position (GRCh38, 1-based): chr2:227,022,099, C>T on the plus strand (G>A on the coding strand, the complement: COL4A4 is on the minus strand). VCF-style: chr2-227022099-C-T. GRCh37 (hg19) VCF-style: chr2-227886815-C-T.
Other names: short protein forms G1389R.
Identifiers: ClinVar variation 1914800 (VCV001914800.7), dbSNP rs200645919, ClinGen allele CA66552382.

ClinVar aggregate classification (germline): Conflicting classifications of pathogenicity. Review status: criteria provided, conflicting classifications (1 of 4 stars). 3 submissions from 3 submitters: Likely pathogenic (2); Uncertain significance (1). Last evaluated 2025-09-03.

Conditions:
Autosomal recessive Alport syndrome (ATS2). Also called: ALPORT SYNDROME 2, AUTOSOMAL RECESSIVE; Alport syndrome type 2; COL4A3-Related Nephropathy; COL4A4 Alport Syndrome and Thin Basement Membrane Nephropathy. Identifiers: Orphanet 63, Orphanet 88919, MedGen C4746745, MONDO:0008762, OMIM 203780.
Hematuria, benign familial, 1 (BFH1). Also called: THIN MEMBRANE NEPHROPATHY. Identifiers: MedGen CN376803, MONDO:0007709, OMIM 141200.
Alport syndrome. Also called: Hemorrhagic familial nephritis; Hemorrhagic hereditary nephritis; Congenital hereditary hematuria. Identifiers: Orphanet 63, MedGen C1567741, MONDO:0018965.

Allele frequency attached by ClinVar (database versions not stated): gnomAD exomes below 0.00001; TOPMed below 0.00001.
gnomAD v4.1: 1 of 1,614,134 alleles (0.000062%); highest among the groups gnomAD compares: Non-Finnish European, 0.000085%; no homozygotes.

Submissions (3):

Natera, Inc.
Classification: Likely pathogenic for Alport syndrome. Last evaluated: 2025-09-03. Review status: criteria provided, single submitter. Criteria: Natera Variant Classification Schema (03/2026). Collection method: clinical testing. Allele origin: germline.
Comment: The c.4165G>A variant in COL4A4 is a missense variant predicted to cause substitution of glycine to arginine at amino acid 1389. This variant is rare in the general population with a frequency below the threshold expected for the associated phenotype(s). This variant is located in a functionally critical region of the protein. Computational prediction algorithms indicate this variant is likely to affect gene or protein function. Given the available evidence, this variant is classified as Likely Pathogenic.

Fulgent Genetics
Classification: Likely pathogenic for Hematuria, benign familial, 1; Autosomal recessive Alport syndrome. Last evaluated: 2024-04-10. Review status: criteria provided, single submitter. Criteria: ACMG Guidelines, 2015. Collection method: clinical testing. Allele origin: germline.

Labcorp Genetics (formerly Invitae), Labcorp
Classification: Uncertain significance. Last evaluated: 2023-08-04. Review status: criteria provided, single submitter. Criteria: Invitae Variant Classification Sherloc (09022015). Collection method: clinical testing. Allele origin: germline.
Comment: This sequence change replaces glycine, which is neutral and non-polar, with arginine, which is basic and polar, at codon 1389 of the COL4A4 protein (p.Gly1389Arg). This variant is not present in population databases (gnomAD no frequency). This variant has not been reported in the literature in individuals affected with COL4A4-related conditions. ClinVar contains an entry for this variant (Variation ID: 1914800). Advanced modeling of protein sequence and biophysical properties (such as structural, functional, and spatial information, amino acid conservation, physicochemical variation, residue mobility, and thermodynamic stability) performed at Invitae indicates that this missense variant is not expected to disrupt COL4A4 protein function. In summary, the available evidence is currently insufficient to determine the role of this variant in disease. Therefore, it has been classified as a Variant of Uncertain Significance.